The following is an entry in ClinVar:

ClinVar aggregate classification (germline): Uncertain significance (1 of 4 stars; one submission).

Conditions:
Autosomal recessive severe congenital neutropenia due to CSF3R deficiency. Also called: Neutropenia, severe congenital, 7, autosomal recessive. Identifiers: Orphanet 420702, MedGen C4310764, MONDO:0014865, OMIM 617014.

gnomAD v4.1: 1 of 1,606,950 alleles (0.000062%); highest among the groups gnomAD compares: Non-Finnish European, 0.000085%; no homozygotes.

Submission:

Labcorp Genetics (formerly Invitae), Labcorp
Classification: Uncertain significance for Autosomal recessive severe congenital neutropenia due to CSF3R deficiency. Last evaluated: 2026-01-28. Review status: criteria provided, single submitter. Criteria: Invitae Variant Classification Sherloc (09022015). Collection method: clinical testing. Allele origin: germline.
Comment: This sequence change replaces glycine, which is neutral and non-polar, with arginine, which is basic and polar, at codon 27 of the CSF3R protein (p.Gly27Arg). This variant is not present in population databases (gnomAD no frequency). This variant has not been reported in the literature in individuals affected with CSF3R-related conditions. Invitae Evidence Modeling of protein sequence and biophysical properties (such as structural, functional, and spatial information, amino acid conservation, physicochemical variation, residue mobility, and thermodynamic stability) indicates that this missense variant is expected to disrupt CSF3R protein function with a positive predictive value of 80%. In summary, the available evidence is currently insufficient to determine the role of this variant in disease. Therefore, it has been classified as a Variant of Uncertain Significance.

NM_000760.4(CSF3R):c.79G>C (p.Gly27Arg)

Gene: CSF3R (colony stimulating factor 3 receptor; minus strand). Cytogenetic location: 1p34.3.
Variant type: single nucleotide variant.
Coding change: c.79G>C on transcript NM_000760.4 (MANE Select); coding-DNA position 79, G replaced by C.
Protein change: p.Gly27Arg; replaces glycine 27 with arginine.
Molecular consequence: missense variant.
Genome position (GRCh38, 1-based): chr1:36,475,659, C>G on the plus strand (G>C on the coding strand, the complement: CSF3R is on the minus strand). VCF-style: chr1-36475659-C-G. GRCh37 (hg19) VCF-style: chr1-36941260-C-G.
Other names: c.79G>C, p.Gly27Arg (NM_156039.3, NM_172313.3); short protein forms G27R.
Identifiers: ClinVar variation 4692270 (VCV004692270.1).
Genomic context (GRCh38, chr1:36,475,659, plus strand): 5'-TGCAGGAGGCTGTGATGGGATCCCCCAGGTGGACGATGGGGGCTGAGACACTGATGTGCC[C>G]GCACTCCTCCAGACCTGGGGTGGAAGAGAATGGGCCAGGAACGACGCCTCTGCCTAGCAG-3'
Protein context (NP_000751.1, residues 17-37): LLLPGSLEEC[Gly27Arg]HISVSAPIVH